The following is an entry in ClinVar:

NM_000089.4(COL1A2):c.2520_2522dup (p.Gly841_Phe842insGly)

Gene: COL1A2 (collagen type I alpha 2 chain; plus strand). Cytogenetic location: 7q21.3.
Variant type: Duplication.
Coding change: c.2520_2522dup on transcript NM_000089.4 (MANE Select); coding-DNA positions 2520 to 2522, 3 bases duplicated (TGG; older notation c.2520_2522dupTGG).
Protein change: p.Gly841_Phe842insGly.
Genome position (GRCh38, 1-based): chr7:94,423,073-94,423,075, TGG duplicated. VCF-style (leftmost placement, unchanged base first): chr7-94423072-C-CTGG. GRCh37 (hg19) VCF-style: chr7-94052384-C-CTGG.
Other names: c.2520_2522dupTGG (NM_000089.4).
Identifiers: ClinVar variation 4848444 (VCV004848444.1).

ClinVar aggregate classification (germline): Uncertain significance (1 of 4 stars; one submission).

Submission:

Women's Health and Genetics/Laboratory Corporation of America, LabCorp
Classification: Uncertain significance. Last evaluated: 2026-04-17. Review status: criteria provided, single submitter. Criteria: LabCorp Variant Classification Summary - May 2015. Collection method: clinical testing. Allele origin: germline.
Comment: Variant summary: COL1A2 c.2520_2522dupTGG (p.Gly841dup) results in an in-frame duplication that is predicted to duplicate one amino acid into the encoded protein. The variant allele was found at a frequency of 4e-06 in 251376 control chromosomes. The available data on variant occurrences in the general population are insufficient to allow any conclusion about variant significance. To our knowledge, no occurrence of c.2520_2522dupTGG in individuals affected with COL1A2-related conditions and no experimental evidence demonstrating its impact on protein function have been reported. No submitters have cited clinical-significance assessments for this variant to ClinVar. Based on the evidence outlined above, the variant was classified as uncertain significance.